The following is an entry in ClinVar:

NM_000346.4(SOX9):c.858C>A (p.Ile286=)

Gene: SOX9 (SRY-box transcription factor 9; plus strand). Cytogenetic location: 17q24.3.
Variant type: single nucleotide variant.
Coding change: c.858C>A on transcript NM_000346.4 (MANE Select); coding-DNA position 858, C replaced by A.
Protein change: p.Ile286=; no amino-acid change (isoleucine 286 retained).
Molecular consequence: synonymous variant.
Genome position (GRCh38, 1-based): chr17:72,123,715, C>A. VCF-style: chr17-72123715-C-A. GRCh37 (hg19) VCF-style: chr17-70119856-C-A.
Identifiers: ClinVar variation 696172 (VCV000696172.25), dbSNP rs149355998, ClinGen allele CA8739039.

ClinVar aggregate classification (germline): Benign/Likely benign. Review status: criteria provided, multiple submitters, no conflicts (2 of 4 stars). 5 submissions from 5 submitters: Benign (2); Likely benign (2). 1 of the submissions does not count toward it. Last evaluated 2025-12-22.

Conditions:
SOX9-related disorder. Also called: SOX9-related condition.
Camptomelic dysplasia (CMPD). Also called: CMPD1/SRA1; Campomelic Dysplasia. Identifiers: Orphanet 140, MedGen C1861922, MONDO:0007251, OMIM 114290.

Allele frequency attached by ClinVar (database versions not stated): ESP Exome Variant Server 0.00100; gnomAD 0.00115 and 0.00125; TOPMed 0.00121; 1000 Genomes Project 0.00220; 1000 Genomes Project 30x 0.00250.
gnomAD v4.1: 353 of 1,614,014 alleles (0.022%); highest among the groups gnomAD compares: African/African-American, 0.42%; 2 homozygotes.

Submissions (5):

Labcorp Genetics (formerly Invitae), Labcorp
Classification: Benign for Camptomelic dysplasia. Last evaluated: 2025-12-22. Review status: criteria provided, single submitter. Criteria: Invitae Variant Classification Sherloc (09022015). Collection method: clinical testing. Allele origin: germline.

Blueprint Genetics
Classification: Likely benign. Last evaluated: 2024-11-14. Review status: criteria provided, single submitter. Criteria: ACMG Guidelines, 2015. Collection method: clinical testing. Allele origin: germline.

ARUP Laboratories, Molecular Genetics and Genomics, ARUP Laboratories
Classification: Benign. Last evaluated: 2020-08-24. Review status: criteria provided, single submitter. Criteria: ARUP Molecular Germline Variant Investigation Process. Collection method: clinical testing. Allele origin: germline.

GeneDx
Classification: Likely benign. Last evaluated: 2020-03-12. Review status: criteria provided, single submitter. Criteria: GeneDx Variant Classification Process June 2021. Collection method: clinical testing. Allele origin: germline. Affected: yes.

PreventionGenetics, part of Exact Sciences
Classification: Likely benign for SOX9-related condition. Last evaluated: 2019-09-17. Review status: no assertion criteria provided. Collection method: clinical testing. Allele origin: germline. Not counted in ClinVar's aggregate classification.
Comment: This variant is classified as likely benign based on ACMG/AMP sequence variant interpretation guidelines (Richards et al. 2015 PMID: 25741868, with internal and published modifications).